The following is an entry in ClinVar:

NC_000023.10:g.(?_110973603)_(110973828_?)dup

Gene: ALG13 (ALG13 UDP-N-acetylglucosaminyltransferase subunit; plus strand). Cytogenetic location: Xq23.
Variant type: Duplication.
Identifiers: ClinVar variation 3245548 (VCV003245548.1).

ClinVar aggregate classification (germline): Uncertain significance (1 of 4 stars; one submission).

Conditions:
Developmental and epileptic encephalopathy, 36 (DEE36). Also called: ALG13-CDG; Epileptic encephalopathy, early infantile, 36; Congenital disorder of glycosylation, type Is. Identifiers: Orphanet 324422, MedGen C4317295, MONDO:0010472, OMIM 300884.

Submission:

Labcorp Genetics (formerly Invitae), Labcorp
Classification: Uncertain significance for Developmental and epileptic encephalopathy, 36. Last evaluated: 2023-09-22. Review status: criteria provided, single submitter. Criteria: Invitae Variant Classification Sherloc (09022015). Collection method: clinical testing. Allele origin: unknown.
Comment: This variant results in a copy number gain of the genomic region encompassing exon(s) 20-21 of the ALG13 gene. While the exact position of this variant cannot be determined from the data, sub-genic copy number gains are generally in tandem (PMID: 25640679). This variant is predicted to be out-of-frame, and may result in an absent or disrupted protein product. However, the current clinical and genetic evidence is not sufficient to establish whether loss-of-function variants in ALG13 cause disease. This variant has not been reported in the literature in individuals affected with ALG13-related conditions. Experimental studies and prediction algorithms are not available or were not evaluated, and the functional significance of this variant is currently unknown. In summary, the available evidence is currently insufficient to determine the role of this variant in disease. Therefore, it has been classified as a Variant of Uncertain Significance.

Literature cited by the submitters: PubMed 25640679.